The following is an entry in ClinVar:

ClinVar aggregate classification (germline): Pathogenic (0 of 4 stars; one submission).

Conditions:
Polycystic kidney disease. Also called: Polycystic kidney dysplasia; Kidney, Polycystic. Identifiers: MedGen C0022680, MeSH D007690, MONDO:0020642, HP:0000113.

Submission:

Department of Pathology and Laboratory Medicine, Sinai Health System
Classification: Pathogenic for Polycystic Kidney disease. Review status: no assertion criteria provided. Collection method: clinical testing. Allele origin: unknown. Affected: yes. Study: The Canadian Open Genetics Repository (COGR).
Comment: The PKD1 p.Ala1426ThrfsX6 variant was not identified in the literature nor was it identified in the dbSNP, ClinVar, GeneInsight-COGR, LOVD 3.0, ADPKD Mutation Database, PKD1-LOVD, databases. The variant was not identified in the 1000 Genomes Project, the NHLBI GO Exome Sequencing Project, the Exome Aggregation Consortium (August 8th 2016) or the Genome Aggregation Consortium (Feb 27, 2017) control databases. The p.Ala1426ThrfsX6 variant is predicted to cause a frameshift, which alters the protein amino acid sequence beginning at codon 1426 and leads to a premature stop codon 6 codons downstream. This alteration is then predicted to result in a truncated or absent protein and loss of function. Loss of function variants of the PKD1 gene are an established mechanism of disease in Polycystic Kidney Disease and is the type of variant expected to cause the disorder. In summary, based on the above information this variant meets our laboratoryâ€šÃ„Ã´s criteria to be classified as pathogenic.

NM_001009944.3(PKD1):c.4276_4277delinsA (p.Ala1426fs)

Gene: PKD1 (polycystin 1, transient receptor potential channel interacting; minus strand). Cytogenetic location: 16p13.3.
Variant type: Indel.
Coding change: c.4276_4277delinsA on transcript NM_001009944.3 (MANE Select); coding-DNA positions 4276 to 4277, GC replaced by A.
Protein change: p.Ala1426fs; shifts the reading frame from alanine 1426.
Molecular consequence: frameshift variant.
Genome position (GRCh38, 1-based): chr16:2,110,890-2,110,891, GC replaced by T on the plus strand (GC replaced by A on the coding strand, the reverse complement: PKD1 is on the minus strand). VCF-style: chr16-2110890-GC-T. GRCh37 (hg19) VCF-style: chr16-2160891-GC-T.
Other names: c.4276_4277delinsA, p.Ala1426fs (NM_000296.4); short protein forms A1426fs.
Identifiers: ClinVar variation 997371 (VCV000997371.1), dbSNP rs2092484442, ClinGen allele CA2202047216.
Genomic context (GRCh38, chr16:2,110,890, plus strand): 5'-GTGACTGTCACAAGATAGGAGCCTGGGTCTCGGTAGATGAACGTCACCTCAGGGCCCCTG[GC>T]ACGGGTGGGGGCGGCTTCCTCGGTGCCAAAGTCCCAGGTGTAGCGGTAGGGGAACGGGGG-3'